The following is an entry in ClinVar:

ClinVar aggregate classification (germline): Benign (1 of 4 stars; one submission).

Allele frequency attached by ClinVar (database versions not stated): 1000 Genomes Project 0.07208; gnomAD exomes 0.07265; gnomAD 0.08772 and 0.09159; TOPMed 0.09024.
gnomAD v4.1: 32,453 of 415,206 alleles (7.8%); highest among the groups gnomAD compares: African/African-American, 14%; 1,447 homozygotes.

Submission:

GeneDx
Classification: Benign. Last evaluated: 2018-06-19. Review status: criteria provided, single submitter. Criteria: GeneDx Variant Classification (06012015). Collection method: clinical testing. Allele origin: germline. Affected: yes.
Comment: This variant is considered likely benign or benign based on one or more of the following criteria: it is a conservative change, it occurs at a poorly conserved position in the protein, it is predicted to be benign by multiple in silico algorithms, and/or has population frequency not consistent with disease.

NM_033118.4(MYLK2):c.878+215C>T

Gene: MYLK2 (myosin light chain kinase 2; plus strand). Cytogenetic location: 20q11.21.
Variant type: single nucleotide variant.
Coding change: c.878+215C>T on transcript NM_033118.4 (MANE Select); 215 bases into the intron after coding-DNA position 878, C replaced by T.
Molecular consequence: intron variant.
Genome position (GRCh38, 1-based): chr20:31,823,797, C>T. VCF-style: chr20-31823797-C-T. GRCh37 (hg19) VCF-style: chr20-30411600-C-T.
Identifiers: ClinVar variation 672788 (VCV000672788.1), dbSNP rs6060972, ClinGen allele CA313850660.